The following is an entry in ClinVar:

ClinVar aggregate classification (germline): Pathogenic (1 of 4 stars; one submission).

Conditions:
Interstitial lung disease due to ABCA3 deficiency. Also called: PULMONARY ALVEOLAR PROTEINOSIS, CONGENITAL, 3. Identifiers: Orphanet 440402, MedGen C1970456, MONDO:0012582, OMIM 610921.

Submission:

Myriad Genetics, Inc.
Classification: Pathogenic for Interstitial lung disease due to ABCA3 deficiency. Last evaluated: 2025-08-19. Review status: criteria provided, single submitter. Criteria: Myriad Autosomal Dominant, Autosomal Recessive and X-Linked Classification Criteria (2023). Collection method: clinical testing. Allele origin: unknown.
Comment: NM_001089.2(ABCA3):c.4081_4082delGT(V1361Sfs*89) is expected to be pathogenic in the context of surfactant deficiency, ABCA3-related. This variant is predicted to lead to an abnormal or absent protein product due to the creation of a premature termination codon in ABCA3, a gene where loss-of-function variants are known to be pathogenic. Please note: this variant was assessed in the context of healthy population screening.

NM_001089.3(ABCA3):c.4081_4082del (p.Val1361fs)

Gene: ABCA3 (ATP binding cassette subfamily A member 3; minus strand). Cytogenetic location: 16p13.3.
Variant type: Deletion.
Coding change: c.4081_4082del on transcript NM_001089.3 (MANE Select); coding-DNA positions 4081 to 4082, 2 bases deleted (GT; older notation c.4081_4082delGT).
Protein change: p.Val1361fs; shifts the reading frame from valine 1361.
Molecular consequence: frameshift variant.
Genome position (GRCh38, 1-based): chr16:2,281,463-2,281,464, AC deleted on the plus strand (GT on the coding strand, the reverse complement: ABCA3 is on the minus strand); deleting any 2 consecutive bases within chr16:2,281,463-2,281,465 gives the same sequence; the c. name uses the placement nearest the transcript's 3' end. VCF-style (leftmost placement, unchanged base first): chr16-2281462-TAC-T. GRCh37 (hg19) VCF-style: chr16-2331463-TAC-T.
Other names: short protein forms V1361fs.
Identifiers: ClinVar variation 5014888 (VCV005014888.1).
Genomic context (GRCh38, chr16:2,281,462, plus strand): 5'-CAGAGGTGTGTGGAGCAGGGAGTCCGGACTGGGGGCCAGGATGCGGGTCCTCTCGTCCGC[TAC>T]ATCTTGGTCCTCAGGAAGCACAGGCATCCGGGTGTATAATTCTGTCTGATTGACCAGGAC-3'